The following is an entry in ClinVar:

ClinVar aggregate classification (germline): Uncertain significance (1 of 4 stars; one submission).

gnomAD v4.1: 3 of 1,613,952 alleles (0.00019%); highest among the groups gnomAD compares: Admixed American, 0.0017%; no homozygotes.

Submission:

Labcorp Genetics (formerly Invitae), Labcorp
Classification: Uncertain significance. Last evaluated: 2024-06-24. Review status: criteria provided, single submitter. Criteria: Invitae Variant Classification Sherloc (09022015). Collection method: clinical testing. Allele origin: germline.
Comment: This sequence change replaces arginine, which is basic and polar, with histidine, which is basic and polar, at codon 165 of the LRP6 protein (p.Arg165His). This variant is present in population databases (rs745487990, gnomAD 0.0009%). This variant has not been reported in the literature in individuals affected with LRP6-related conditions. Advanced modeling of protein sequence and biophysical properties (such as structural, functional, and spatial information, amino acid conservation, physicochemical variation, residue mobility, and thermodynamic stability) performed at Invitae indicates that this missense variant is expected to disrupt LRP6 protein function with a positive predictive value of 80%. In summary, the available evidence is currently insufficient to determine the role of this variant in disease. Therefore, it has been classified as a Variant of Uncertain Significance.

NM_002336.3(LRP6):c.494G>A (p.Arg165His)

Gene: LRP6 (LDL receptor related protein 6; minus strand). Cytogenetic location: 12p13.2.
Variant type: single nucleotide variant.
Coding change: c.494G>A on transcript NM_002336.3 (MANE Select); coding-DNA position 494, G replaced by A.
Protein change: p.Arg165His; replaces arginine 165 with histidine.
Molecular consequence: missense variant. On other transcripts: non-coding transcript variant (1), intron variant (1).
Genome position (GRCh38, 1-based): chr12:12,203,356, C>T on the plus strand (G>A on the coding strand, the complement: LRP6 is on the minus strand). VCF-style: chr12-12203356-C-T. GRCh37 (hg19) VCF-style: chr12-12356290-C-T.
Other names: c.494G>A, p.Arg165His (NM_001414244.1, NM_001414245.1, NM_001414246.1 and 5 more transcripts); c.41G>A, p.Arg14His (NM_001414252.1, NM_001414253.1, NM_001414254.1); c.450-16237G>A (NM_001414247.1); short protein forms R14H, R165H.
Identifiers: ClinVar variation 3671085 (VCV003671085.2).